The following is an entry in ClinVar:

NM_020822.3(KCNT1):c.1963G>A (p.Glu655Lys)

Gene: KCNT1 (potassium sodium-activated channel subfamily T member 1; plus strand). Cytogenetic location: 9q34.3.
Variant type: single nucleotide variant.
Coding change: c.1963G>A on transcript NM_020822.3 (MANE Select); coding-DNA position 1963, G replaced by A.
Protein change: p.Glu655Lys; replaces glutamic acid 655 with lysine.
Molecular consequence: missense variant.
Genome position (GRCh38, 1-based): chr9:135,771,050, G>A. VCF-style: chr9-135771050-G-A. GRCh37 (hg19) VCF-style: chr9-138662896-G-A.
Other names: c.1828G>A, p.Glu610Lys (NM_001272003.2); short protein forms E610K, E655K.
Identifiers: ClinVar variation 1001305 (VCV001001305.12), dbSNP rs770039542, ClinGen allele CA5327120.

ClinVar aggregate classification (germline): Conflicting classifications of pathogenicity. Review status: criteria provided, conflicting classifications (1 of 4 stars). 5 submissions from 4 submitters: Uncertain significance (4); Likely benign (1). Last evaluated 2025-10-21.

Conditions:
Inborn genetic diseases. Identifiers: MedGen C0950123, MeSH D030342.
Autosomal dominant nocturnal frontal lobe epilepsy 5. Also called: KCNT1-Related Epilepsy; CILIARY DYSKINESIA, PRIMARY, 28, WITHOUT SITUS INVERSUS; CILIARY DYSKINESIA, PRIMARY, 28, WITH SITUS INVERSUS; Epilepsy, nocturnal frontal lobe, 5. Identifiers: Orphanet 98784, MedGen C3554306, MONDO:0014002, OMIM 615005.
Developmental and epileptic encephalopathy, 14 (DEE14). Also called: Early infantile epileptic encephalopathy 14. Identifiers: Orphanet 293181, MedGen C3554195, MONDO:0013989, OMIM 614959.

Allele frequency attached by ClinVar (database versions not stated): gnomAD exomes 0.00001 and 0.00002; TOPMed 0.00001; ExAC 0.00002.
gnomAD v4.1: 25 of 1,612,338 alleles (0.0016%); highest among the groups gnomAD compares: East Asian, 0.0045%; no homozygotes.

Submissions (5):

Labcorp Genetics (formerly Invitae), Labcorp
Classification: Likely benign for Autosomal dominant nocturnal frontal lobe epilepsy 5; Developmental and epileptic encephalopathy, 14. Last evaluated: 2025-10-21. Review status: criteria provided, single submitter. Criteria: Invitae Variant Classification Sherloc (09022015). Collection method: clinical testing. Allele origin: germline.

Ambry Genetics
Classification: Uncertain significance for Inborn genetic diseases. Last evaluated: 2025-04-08. Review status: criteria provided, single submitter. Criteria: Ambry Variant Classification Scheme 2023. Collection method: clinical testing. Allele origin: germline.

Genome-Nilou Lab
Classification: Uncertain significance for Developmental and epileptic encephalopathy, 14. Last evaluated: 2022-03-15. Review status: criteria provided, single submitter. Criteria: ACMG Guidelines, 2015. Collection method: clinical testing. Allele origin: germline. Affected: no.

Genome-Nilou Lab
Classification: Uncertain significance for Autosomal dominant nocturnal frontal lobe epilepsy 5. Last evaluated: 2022-03-15. Review status: criteria provided, single submitter. Criteria: ACMG Guidelines, 2015. Collection method: clinical testing. Allele origin: germline. Affected: no.

GeneDx
Classification: Uncertain significance. Last evaluated: 2019-09-18. Review status: criteria provided, single submitter. Criteria: GeneDx Variant Classification Process June 2021. Collection method: clinical testing. Allele origin: germline. Affected: yes.
Comment: In silico analysis, which includes protein predictors and evolutionary conservation, supports that this variant does not alter protein structure/function; Has not been previously published as pathogenic or benign to our knowledge